The following is an entry in ClinVar:

NM_198525.3(KIF7):c.871G>A (p.Asp291Asn)

Gene: KIF7 (kinesin family member 7; minus strand). Cytogenetic location: 15q26.1.
Variant type: single nucleotide variant.
Coding change: c.871G>A on transcript NM_198525.3 (MANE Select); coding-DNA position 871, G replaced by A.
Protein change: p.Asp291Asn; replaces aspartic acid 291 with asparagine.
Molecular consequence: missense variant.
Genome position (GRCh38, 1-based): chr15:89,649,026, C>T on the plus strand (G>A on the coding strand, the complement: KIF7 is on the minus strand). VCF-style: chr15-89649026-C-T. GRCh37 (hg19) VCF-style: chr15-90192257-C-T.
Other names: short protein forms D291N.
Identifiers: ClinVar variation 2146417 (VCV002146417.2), dbSNP rs1167075751, ClinGen allele CA393774096.

ClinVar aggregate classification (germline): Uncertain significance (1 of 4 stars; one submission).

Conditions:
Acrocallosal syndrome (ACLS). Also called: HALLUX DUPLICATION, POSTAXIAL POLYDACTYLY, AND ABSENCE OF CORPUS CALLOSUM; Schinzel syndrome 1; Absence of corpus callosum with unusual facial appearance, mental deficiency, duplication of the halluces and polydactyly. Identifiers: Orphanet 36, MedGen C0796147, MONDO:0008708, OMIM 200990.

Allele frequency attached by ClinVar (database versions not stated): TOPMed below 0.00001.

Submission:

Labcorp Genetics (formerly Invitae), Labcorp
Classification: Uncertain significance for Acrocallosal syndrome. Last evaluated: 2022-02-28. Review status: criteria provided, single submitter. Criteria: Invitae Variant Classification Sherloc (09022015). Collection method: clinical testing. Allele origin: germline.
Comment: In summary, the available evidence is currently insufficient to determine the role of this variant in disease. Therefore, it has been classified as a Variant of Uncertain Significance. Algorithms developed to predict the effect of missense changes on protein structure and function are either unavailable or do not agree on the potential impact of this missense change (SIFT: "Deleterious"; PolyPhen-2: "Benign"; Align-GVGD: "Class C0"). This variant has not been reported in the literature in individuals affected with KIF7-related conditions. The frequency data for this variant in the population databases is considered unreliable, as metrics indicate poor data quality at this position in the gnomAD database. This sequence change replaces aspartic acid, which is acidic and polar, with asparagine, which is neutral and polar, at codon 291 of the KIF7 protein (p.Asp291Asn).